The following is an entry in ClinVar:

NM_001111.5(ADAR):c.2554T>G (p.Phe852Val)

Genes: ADAR (adenosine deaminase RNA specific; minus strand), LOC126805874 (CDK7 strongly-dependent group 2 enhancer GRCh37_chr1:154561176-154562375; plus strand). Cytogenetic location: 1q21.3.
Variant type: single nucleotide variant.
Coding change: c.2554T>G on transcript NM_001111.5 (MANE Select); coding-DNA position 2554, T replaced by G.
Protein change: p.Phe852Val; replaces phenylalanine 852 with valine.
Molecular consequence: missense variant.
Genome position (GRCh38, 1-based): chr1:154,589,871, A>C on the plus strand (T>G on the coding strand, the complement: ADAR is on the minus strand). VCF-style: chr1-154589871-A-C. GRCh37 (hg19) VCF-style: chr1-154562347-A-C.
Other names: c.1669T>G, p.Phe557Val (NM_001365048.1, NM_001025107.3, NM_001193495.2 and 2 more transcripts); c.1591T>G, p.Phe531Val (NM_001365049.1); c.2476T>G, p.Phe826Val (NM_015840.4); c.2419T>G, p.Phe807Val (NM_015841.4); c.2554T>G (NM_001111.4); c.2581T>G, p.Phe861Val (NM_001365045.1); short protein forms F557V, F807V, F852V, F531V, F826V, F861V.
Identifiers: ClinVar variation 1522348 (VCV001522348.9), dbSNP rs2101585739, ClinGen allele CA342636988.
Genomic context (GRCh38, chr1:154,589,871, plus strand): 5'-TGGCGGCCAGAATCTTGCGGCCGAGCAAGGAGGGCTGGAAGCTGTTAGTCAGAGTGTTGA[A>C]GCACCGGTGGCTCAGCATGGCTATCTGGTCATGGAAGGTGCTGCCAGTGAGAGGGAGCTG-3'
Protein context (NP_001102.3, residues 842-862): DQIAMLSHRC[Phe852Val]NTLTNSFQPS

ClinVar aggregate classification (germline): Uncertain significance. Review status: criteria provided, multiple submitters, no conflicts (2 of 4 stars). 2 submissions from 2 submitters: Uncertain significance (2). Last evaluated 2024-08-15.

Conditions:
Aicardi-Goutieres syndrome 6 (AGS6). Identifiers: Orphanet 51, MedGen C3539013, MONDO:0014007, OMIM 615010.
Symmetrical dyschromatosis of extremities (DSH). Also called: DYSCHROMATOSIS SYMMETRICA HEREDITARIA 1; RETICULATE ACROPIGMENTATION OF DOHI; SYMMETRIC DYSCHROMATOSIS OF THE EXTREMITIES; Dyschromatosis symmetrica hereditaria. Identifiers: Orphanet 41, MedGen C0406775, MONDO:0007483, OMIM 127400.

Submissions (2):

GeneDx
Classification: Uncertain significance. Last evaluated: 2024-08-15. Review status: criteria provided, single submitter. Criteria: GeneDx Variant Classification Process June 2021. Collection method: clinical testing. Allele origin: germline. Affected: yes.
Comment: Not observed at significant frequency in large population cohorts (gnomAD); In silico analysis supports that this missense variant has a deleterious effect on protein structure/function; Has not been previously published as pathogenic or benign to our knowledge

Labcorp Genetics (formerly Invitae), Labcorp
Classification: Uncertain significance for Aicardi-Goutieres syndrome 6; Symmetrical dyschromatosis of extremities. Last evaluated: 2021-04-02. Review status: criteria provided, single submitter. Criteria: Invitae Variant Classification Sherloc (09022015). Collection method: clinical testing. Allele origin: germline.
Comment: This sequence change replaces phenylalanine with valine at codon 852 of the ADAR protein (p.Phe852Val). The phenylalanine residue is highly conserved and there is a small physicochemical difference between phenylalanine and valine. In summary, the available evidence is currently insufficient to determine the role of this variant in disease. Therefore, it has been classified as a Variant of Uncertain Significance. Algorithms developed to predict the effect of sequence changes on RNA splicing suggest that this variant may create or strengthen a splice site, but this prediction has not been confirmed by published transcriptional studies. Algorithms developed to predict the effect of missense changes on protein structure and function are either unavailable or do not agree on the potential impact of this missense change (SIFT: "Deleterious"; PolyPhen-2: "Probably Damaging"; Align-GVGD: "Class C0"). This variant has not been reported in the literature in individuals with ADAR-related conditions. This variant is not present in population databases (ExAC no frequency).